The following is an entry in ClinVar:

NM_001197104.2(KMT2A):c.7020del (p.Asn2340fs)

Gene: KMT2A (lysine methyltransferase 2A; plus strand). Cytogenetic location: 11q23.3.
Variant type: Deletion.
Coding change: c.7020del on transcript NM_001197104.2 (MANE Select); coding-DNA position 7020, one base deleted (C; older notation c.7020delC).
Protein change: p.Asn2340fs; shifts the reading frame from asparagine 2340.
Molecular consequence: frameshift variant.
Genome position (GRCh38, 1-based): chr11:118,502,912, C deleted. VCF-style (leftmost placement, unchanged base first): chr11-118502911-AC-A. GRCh37 (hg19) VCF-style: chr11-118373626-AC-A.
Other names: c.7011del, p.Asn2337fs (NM_005933.4); short protein forms N2337fs, N2340fs.
Identifiers: ClinVar variation 992730 (VCV000992730.2), dbSNP rs1950523317, ClinGen allele CA1139662346.
Genomic context (GRCh38, chr11:118,502,911, plus strand): 5'-AGGGATCTGCACATAATGTGGCTTACCCTGGAATTCCTAAACTGGCCCCACAGGTTCATA[AC>A]ACAACATCTAGAGAACTGAATGTTAGTAAAATCGGCTCCTTTGCTGAACCCTCTTCAGTG-3'

ClinVar aggregate classification (germline): Pathogenic (1 of 4 stars; one submission).

Conditions:
Wiedemann-Steiner syndrome (WDSTS). Also called: Growth deficiency and mental retardation with facial dysmorphism. Identifiers: Orphanet 319182, MedGen C1854630, MONDO:0011518, OMIM 605130.

Submission:

New York Genome Center
Classification: Pathogenic for Wiedemann-Steiner syndrome. Last evaluated: 2019-08-18. Review status: criteria provided, single submitter. Criteria: NYGC Assertion Criteria 2020. Collection method: clinical testing. Allele origin: de novo. Affected: yes. Observed: 1 heterozygote. Study: CSER-NYCKidSeq.
Comment: The c.7020del (p.Asn2340LysfsTer7) variant identified in the KMT2A gene is the deletion of a single nucleotide resulting in a frame shift of the protein at amino acid 2340/3973 (coding exon 27/36), and is predicted to lead to the premature termination of the protein approximately 7 amino acids downstream. This variant is absent from gnomAD and ExAC, suggesting it is not a common benign variant in the populations represented in these databases. This variant has not been previously reported in affected individuals in the literature and is absent from ClinVar, although many nonsense and frameshift variants downstream have been reported as Pathogenic, including several in exon 27 [PMID: 22795537]. Given its deleterious nature, its presence de novo in an affected invididual with no family history of similar clincal phenotype, and its absence in population databases, the c.7020del (p.Asn2340LysfsTer7) variant identified in the KMT2A gene is reported here as Pathogenic.